The following is an entry in ClinVar:

NM_033343.4(LHX4):c.790C>T (p.Leu264Phe)

Genes: ACBD6 (acyl-CoA binding domain containing 6; minus strand), LHX4 (LIM homeobox 4; plus strand), LHX4-AS1 (LHX4 antisense RNA 1; minus strand). Cytogenetic location: 1q25.2.
Variant type: single nucleotide variant.
Coding change: c.790C>T on transcript NM_033343.4 (MANE Select); coding-DNA position 790, C replaced by T.
Protein change: p.Leu264Phe; replaces leucine 264 with phenylalanine.
Molecular consequence: missense variant.
Genome position (GRCh38, 1-based): chr1:180,274,196, C>T. VCF-style: chr1-180274196-C-T. GRCh37 (hg19) VCF-style: chr1-180243331-C-T.
Other names: short protein forms L264F.
Identifiers: ClinVar variation 4975942 (VCV004975942.1).
Genomic context (GRCh38, chr1:180,274,196, plus strand): 5'-CATCAGAGTCCTGGCAGCTGACAATAAATCTCCGTTCTTTTGTCCACAGAGGATCAAATT[C>T]TCTCAGAACTTGGCCACACCAATAGGATTTATGGCAACGTGGGGGACGTTACAGGCGGAC-3'
Protein context (NP_203129.1, residues 254-274): SELSFREDQI[Leu264Phe]SELGHTNRIY

ClinVar aggregate classification (germline): Uncertain significance (1 of 4 stars; one submission).

Submission:

GeneDx
Classification: Uncertain significance. Last evaluated: 2026-02-03. Review status: criteria provided, single submitter. Criteria: GeneDx Variant Classification Process June 2021. Collection method: clinical testing. Allele origin: germline.
Comment: Not observed at significant frequency in large population cohorts (gnomAD); In silico analysis suggests that this missense variant does not alter protein structure/function; Has not been previously published as pathogenic or benign to our knowledge